The following is an entry in ClinVar:

NM_019892.6(INPP5E):c.957C>T (p.Asp319=)

Gene: INPP5E (inositol polyphosphate-5-phosphatase E; minus strand). Cytogenetic location: 9q34.3.
Variant type: single nucleotide variant.
Coding change: c.957C>T on transcript NM_019892.6 (MANE Select); coding-DNA position 957, C replaced by T.
Protein change: p.Asp319=; no amino-acid change (aspartic acid 319 retained).
Molecular consequence: synonymous variant.
Genome position (GRCh38, 1-based): chr9:136,434,114, G>A on the plus strand (C>T on the coding strand, the complement: INPP5E is on the minus strand). VCF-style: chr9-136434114-G-A. GRCh37 (hg19) VCF-style: chr9-139328566-G-A.
Other names: c.957C>T, p.Asp319= (NM_001318502.2).
Identifiers: ClinVar variation 1110481 (VCV001110481.31), dbSNP rs1032007993, ClinGen allele CA201644013.

ClinVar aggregate classification (germline): Likely benign. Review status: criteria provided, multiple submitters, no conflicts (2 of 4 stars). 2 submissions from 2 submitters: Likely benign (2). Last evaluated 2025-08-01.

Conditions:
Joubert syndrome. Also called: JOUBERT-BOLTSHAUSER SYNDROME; Familial aplasia of the vermis. Identifiers: Orphanet 475, MedGen C5979921, MONDO:0018772.

Allele frequency attached by ClinVar (database versions not stated): gnomAD exomes below 0.00001 and 0.00001; gnomAD 0.00001.
gnomAD v4.1: 11 of 1,609,118 alleles (0.00068%); highest among the groups gnomAD compares: East Asian, 0.0022%; no homozygotes.

Submissions (2):

CeGaT Center for Human Genetics Tuebingen
Classification: Likely benign. Last evaluated: 2025-08-01. Review status: criteria provided, single submitter. Criteria: CeGaT Center For Human Genetics Tuebingen Variant Classification Criteria Version 2. Collection method: clinical testing. Allele origin: germline. Affected: yes. Observed: 2 variant alleles.
Comment: INPP5E: BP4, BP7

Labcorp Genetics (formerly Invitae), Labcorp
Classification: Likely benign for Joubert syndrome. Last evaluated: 2024-06-24. Review status: criteria provided, single submitter. Criteria: Invitae Variant Classification Sherloc (09022015). Collection method: clinical testing. Allele origin: germline.